The following is an entry in ClinVar:

NM_006904.7(PRKDC):c.3125A>G (p.Lys1042Arg)

Gene: PRKDC (protein kinase, DNA-activated, catalytic subunit; minus strand). Cytogenetic location: 8q11.21.
Variant type: single nucleotide variant.
Coding change: c.3125A>G on transcript NM_006904.7 (MANE Select); coding-DNA position 3125, A replaced by G.
Protein change: p.Lys1042Arg; replaces lysine 1042 with arginine.
Molecular consequence: missense variant.
Genome position (GRCh38, 1-based): chr8:47,902,713, T>C on the plus strand (A>G on the coding strand, the complement: PRKDC is on the minus strand). VCF-style: chr8-47902713-T-C. GRCh37 (hg19) VCF-style: chr8-48815273-T-C.
Other names: c.3125A>G, p.Lys1042Arg (NM_001081640.2); short protein forms K1042R.
Identifiers: ClinVar variation 2449867 (VCV002449867.2), dbSNP rs1211717386, ClinGen allele CA371156985.

ClinVar aggregate classification (germline): Uncertain significance (1 of 4 stars; one submission).

Allele frequency attached by ClinVar (database versions not stated): TOPMed below 0.00001; gnomAD 0.00001.
gnomAD v4.1: 1 of 1,613,866 alleles (0.000062%); highest among the groups gnomAD compares: African/African-American, 0.0013%; no homozygotes.

Submission:

Ambry Genetics
Classification: Uncertain significance. Last evaluated: 2023-01-21. Review status: criteria provided, single submitter. Criteria: Ambry Variant Classification Scheme 2023. Collection method: clinical testing. Allele origin: germline.
Comment: The p.K1042R variant (also known as c.3125A>G), located in coding exon 27 of the PRKDC gene, results from an A to G substitution at nucleotide position 3125. The lysine at codon 1042 is replaced by arginine, an amino acid with highly similar properties. This amino acid position is conserved. In addition, the in silico prediction for this alteration is inconclusive. Since supporting evidence is limited at this time, the clinical significance of this alteration remains unclear.